The following is an entry in ClinVar:

ClinVar aggregate classification (germline): Uncertain significance (1 of 4 stars; one submission).

Submission:

GeneDx
Classification: Uncertain significance. Last evaluated: 2024-07-31. Review status: criteria provided, single submitter. Criteria: GeneDx Variant Classification Process June 2021. Collection method: clinical testing. Allele origin: germline. Affected: yes.
Comment: Not observed at significant frequency in large population cohorts (gnomAD); In silico analysis indicates that this missense variant does not alter protein structure/function; Has not been previously published as pathogenic or benign to our knowledge

NM_005639.3(SYT1):c.751G>A (p.Val251Met)

Gene: SYT1 (synaptotagmin 1; plus strand). Cytogenetic location: 12q21.2.
Variant type: single nucleotide variant.
Coding change: c.751G>A on transcript NM_005639.3 (MANE Select); coding-DNA position 751, G replaced by A.
Protein change: p.Val251Met; replaces valine 251 with methionine.
Molecular consequence: missense variant.
Genome position (GRCh38, 1-based): chr12:79,299,492, G>A. VCF-style: chr12-79299492-G-A. GRCh37 (hg19) VCF-style: chr12-79693272-G-A.
Other names: c.751G>A, p.Val251Met (NM_001135805.2, NM_001135806.2, NM_001415938.1 and 2 more transcripts); c.742G>A, p.Val248Met (NM_001291901.2, NM_001415941.1, NM_001415942.1 and 1 more transcripts); short protein forms V248M, V251M.
Identifiers: ClinVar variation 3602431 (VCV003602431.1).